The following is an entry in ClinVar:

NM_145239.3(PRRT2):c.515_516del (p.Leu171_Ser172insTer)

Genes: PRRT2 (proline rich transmembrane protein 2; plus strand), MVP-DT (MVP divergent transcript; minus strand). Cytogenetic location: 16p11.2.
Variant type: Deletion.
Coding change: c.515_516del on transcript NM_145239.3 (MANE Select); coding-DNA positions 515 to 516, 2 bases deleted (CT; older notation c.515_516delCT).
Protein change: p.Leu171_Ser172insTer.
Molecular consequence: nonsense.
Genome position (GRCh38, 1-based): chr16:29,813,569-29,813,570, CT deleted; deleting any 2 consecutive bases within chr16:29,813,568-29,813,570 gives the same sequence; the c. name uses the placement nearest the transcript's 3' end. VCF-style (leftmost placement, unchanged base first): chr16-29813567-GTC-G. GRCh37 (hg19) VCF-style: chr16-29824888-GTC-G.
Other names: c.515_516del, p.Leu171_Ser172insTer (NM_001256442.2, NM_001256443.2).
Identifiers: ClinVar variation 1709866 (VCV001709866.2), dbSNP rs2543334077, ClinGen allele CA2580091504.

ClinVar aggregate classification (germline): Likely pathogenic (1 of 4 stars; one submission).

Conditions:
Seizures, benign familial infantile, 2 (BFIS2). Also called: CONVULSIONS, BENIGN FAMILIAL INFANTILE, 2. Identifiers: Orphanet 306, MedGen C1853995, MONDO:0011593, OMIM 605751.

Submission:

MGZ Medical Genetics Center
Classification: Likely pathogenic for Seizures, benign familial infantile, 2. Last evaluated: 2021-07-27. Review status: criteria provided, single submitter. Criteria: ACMG Guidelines, 2015. Collection method: clinical testing. Allele origin: germline. Affected: yes. Observed: 1 variant allele.
Comment: ACMG criteria applied: PVS1, PM2_SUP